The following is an entry in ClinVar:

NM_001363711.2(DUOX2):c.982T>G (p.Phe328Val)

Gene: DUOX2 (dual oxidase 2; minus strand). Cytogenetic location: 15q21.1.
Variant type: single nucleotide variant.
Coding change: c.982T>G on transcript NM_001363711.2 (MANE Select); coding-DNA position 982, T replaced by G.
Protein change: p.Phe328Val; replaces phenylalanine 328 with valine.
Molecular consequence: missense variant.
Genome position (GRCh38, 1-based): chr15:45,110,486, A>C on the plus strand (T>G on the coding strand, the complement: DUOX2 is on the minus strand). VCF-style: chr15-45110486-A-C. GRCh37 (hg19) VCF-style: chr15-45402684-A-C.
Other names: c.982T>G, p.Phe328Val (NM_014080.5); c.982T>G (NM_014080.4); short protein forms F328V.
Identifiers: ClinVar variation 1431954 (VCV001431954.8), dbSNP rs1205841579, ClinGen allele CA392278118.

ClinVar aggregate classification (germline): Uncertain significance. Review status: criteria provided, multiple submitters, no conflicts (2 of 4 stars). 4 submissions from 4 submitters: Uncertain significance (4). Last evaluated 2025-05-20.

Conditions:
Inborn genetic diseases. Identifiers: MedGen C0950123, MeSH D030342.

Allele frequency attached by ClinVar (database versions not stated): gnomAD 0.00001; gnomAD exomes 0.00001.
gnomAD v4.1: 5 of 1,614,026 alleles (0.00031%); highest among the groups gnomAD compares: Admixed American, 0.0083%; no homozygotes.

Submissions (4):

GeneDx
Classification: Uncertain significance. Last evaluated: 2025-05-20. Review status: criteria provided, single submitter. Criteria: GeneDx Variant Classification Process June 2021. Collection method: clinical testing. Allele origin: germline. Affected: yes.
Comment: In silico analysis supports that this missense variant has a deleterious effect on protein structure/function; Has not been previously published as pathogenic or benign to our knowledge

Ambry Genetics
Classification: Uncertain significance for Inborn genetic diseases. Last evaluated: 2024-12-12. Review status: criteria provided, single submitter. Criteria: Ambry Variant Classification Scheme 2023. Collection method: clinical testing. Allele origin: germline.

Labcorp Genetics (formerly Invitae), Labcorp
Classification: Uncertain significance. Last evaluated: 2021-08-26. Review status: criteria provided, single submitter. Criteria: Invitae Variant Classification Sherloc (09022015). Collection method: clinical testing. Allele origin: germline.
Comment: This sequence change replaces phenylalanine with valine at codon 328 of the DUOX2 protein (p.Phe328Val). The phenylalanine residue is highly conserved and there is a small physicochemical difference between phenylalanine and valine. This variant is not present in population databases (ExAC no frequency). This variant has not been reported in the literature in individuals affected with DUOX2-related conditions. Advanced modeling of protein sequence and biophysical properties (such as structural, functional, and spatial information, amino acid conservation, physicochemical variation, residue mobility, and thermodynamic stability) performed at Invitae indicates that this missense variant is expected to disrupt DUOX2 protein function. Algorithms developed to predict the effect of sequence changes on RNA splicing suggest that this variant may create or strengthen a splice site. In summary, the available evidence is currently insufficient to determine the role of this variant in disease. Therefore, it has been classified as a Variant of Uncertain Significance.

AiLife Diagnostics
Classification: Uncertain significance. Last evaluated: 2021-06-30. Review status: criteria provided, single submitter. Criteria: ACMG Guidelines, 2015. Collection method: clinical testing. Allele origin: germline. Affected: yes. Observed: 1 variant allele.